The following is an entry in ClinVar:

NM_001130438.3(SPTAN1):c.1324-3A>C

Gene: SPTAN1 (spectrin alpha, non-erythrocytic 1; plus strand). Cytogenetic location: 9q34.11.
Variant type: single nucleotide variant.
Coding change: c.1324-3A>C on transcript NM_001130438.3 (MANE Select); 3 bases into the intron before coding-DNA position 1324, A replaced by C.
Molecular consequence: intron variant.
Genome position (GRCh38, 1-based): chr9:128,580,919, A>C. VCF-style: chr9-128580919-A-C. GRCh37 (hg19) VCF-style: chr9-131343198-A-C.
Other names: c.1360-3A>C (NM_001375318.1, NM_001375312.2, NM_001438440.1); c.1324-3A>C (NM_001375311.2, NM_001375314.2, NM_001375310.1 and 10 more transcripts).
Identifiers: ClinVar variation 4881506 (VCV004881506.2).
Genomic context (GRCh38, chr9:128,580,919, plus strand): 5'-TGTCTGCCTCGGAGGCATTGGGGCTGACCTCATCTCCCTGACCATGTCTCCTATGCCCCC[A>C]AGCTGACCGTCCTTTCCGAGGAGAGAGCGGCGCTGCTGGAGCTGTGGGAGCTGCGCAGGC-3'

ClinVar aggregate classification (germline): Uncertain significance (1 of 4 stars; one submission).

Submission:

Dasa
Classification: Uncertain significance. Last evaluated: 2025-10-21. Review status: criteria provided, single submitter. Criteria: DASA Assertion Criteria. Collection method: clinical testing. Allele origin: germline.
Comment: NM_001130438.3(SPTAN1):c.1324-3A>C is a splice-region variant. This variant is absent from population databases. Computational prediction algorithms are consistent with a deleterious effect. The currently available literature and clinical evidence are not sufficient to establish a definitive association between this variant and the reported condition. Therefore, this variant is classified as a variant of uncertain significance.